The following is an entry in ClinVar:

NM_014727.3(KMT2B):c.2323G>C (p.Ala775Pro)

Gene: KMT2B (lysine methyltransferase 2B; plus strand). Cytogenetic location: 19q13.12.
Variant type: single nucleotide variant.
Coding change: c.2323G>C on transcript NM_014727.3 (MANE Select); coding-DNA position 2323, G replaced by C.
Protein change: p.Ala775Pro; replaces alanine 775 with proline.
Molecular consequence: missense variant.
Genome position (GRCh38, 1-based): chr19:35,721,670, G>C. VCF-style: chr19-35721670-G-C. GRCh37 (hg19) VCF-style: chr19-36212572-G-C.
Other names: c.2323G>C (NM_014727.1); short protein forms A775P.
Identifiers: ClinVar variation 1302544 (VCV001302544.7), dbSNP rs1969217856, ClinGen allele CA405397586.

ClinVar aggregate classification (germline): Conflicting classifications of pathogenicity. Review status: criteria provided, conflicting classifications (1 of 4 stars). 3 submissions from 3 submitters: Uncertain significance (2); Benign (1). Last evaluated 2025-05-14.

Conditions:
Inborn genetic diseases. Identifiers: MedGen C0950123, MeSH D030342.

Allele frequency attached by ClinVar (database versions not stated): TOPMed below 0.00001; gnomAD 0.00001.
gnomAD v4.1: 1 of 1,612,440 alleles (0.000062%); highest among the groups gnomAD compares: Admixed American, 0.0017%; no homozygotes.

Submissions (3):

Ambry Genetics
Classification: Uncertain significance for Inborn genetic diseases. Last evaluated: 2025-05-14. Review status: criteria provided, single submitter. Criteria: Ambry Variant Classification Scheme 2023. Collection method: clinical testing. Allele origin: germline.

Labcorp Genetics (formerly Invitae), Labcorp
Classification: Benign. Last evaluated: 2025-04-17. Review status: criteria provided, single submitter. Criteria: Invitae Variant Classification Sherloc (09022015). Collection method: clinical testing. Allele origin: germline.

GeneDx
Classification: Uncertain significance. Last evaluated: 2019-05-17. Review status: criteria provided, single submitter. Criteria: GeneDx Variant Classification Process June 2021. Collection method: clinical testing. Allele origin: germline. Affected: yes.
Comment: Not observed in large population cohorts (Lek et al., 2016); In silico analysis, which includes protein predictors and evolutionary conservation, supports that this variant does not alter protein structure/function; Has not been previously published as pathogenic or benign to our knowledge